The following is an entry in ClinVar:

NM_001378969.1(KCND3):c.1757T>A (p.Leu586His)

Gene: KCND3 (potassium voltage-gated channel subfamily D member 3; minus strand). Cytogenetic location: 1p13.2.
Variant type: single nucleotide variant.
Coding change: c.1757T>A on transcript NM_001378969.1 (MANE Select); coding-DNA position 1757, T replaced by A.
Protein change: p.Leu586His; replaces leucine 586 with histidine.
Molecular consequence: missense variant.
Genome position (GRCh38, 1-based): chr1:111,777,035, A>T on the plus strand (T>A on the coding strand, the complement: KCND3 is on the minus strand). VCF-style: chr1-111777035-A-T. GRCh37 (hg19) VCF-style: chr1-112319657-A-T.
Other names: c.1700T>A, p.Leu567His (NM_001378970.1, NM_172198.3); c.1757T>A, p.Leu586His (NM_004980.5); short protein forms L567H, L586H.
Identifiers: ClinVar variation 4041478 (VCV004041478.1).

ClinVar aggregate classification (germline): Uncertain significance (1 of 4 stars; one submission).

Conditions:
Cardiovascular phenotype. Identifiers: MedGen CN230736.

gnomAD v4.1: 2 of 1,613,452 alleles (0.00012%); highest among the groups gnomAD compares: Non-Finnish European, 0.00017%; no homozygotes.

Submission:

Ambry Genetics
Classification: Uncertain significance for Cardiovascular phenotype. Last evaluated: 2025-05-27. Review status: criteria provided, single submitter. Criteria: Ambry Variant Classification Scheme 2023. Collection method: clinical testing. Allele origin: germline.
Comment: The p.L586H variant (also known as c.1757T>A), located in coding exon 6 of the KCND3 gene, results from a T to A substitution at nucleotide position 1757. The leucine at codon 586 is replaced by histidine, an amino acid with similar properties. This amino acid position is conserved. In addition, the in silico prediction for this alteration is inconclusive. Based on the available evidence, the clinical significance of this variant remains unclear.